The following is an entry in ClinVar:

Conditions:
Arteriohepatic dysplasia. Also called: Alagille Syndrome. Identifiers: Orphanet 52, MedGen C0085280, MeSH D016738, MONDO:0007318.

Submission:

Gilbert/Spinner Lab, Children's Hospital of Philadelphia
No classification provided (evidence only). Condition: Alagille syndrome. Review status: no classification provided. Collection method: research. Allele origin: not applicable. Functional consequence: functionally_abnormal.
ClinVar note: "not provided" was previously submitted as the classification for the variant. However, the classification appeared to be based only on an observation of functional data so it was converted to no classification on 2025-07-30.

NM_000214.3(JAG1):c.233G>T (p.Cys78Phe)

Gene: JAG1 (jagged canonical Notch ligand 1; minus strand). Cytogenetic location: 20p12.2.
Variant type: single nucleotide variant.
Coding change: c.233G>T on transcript NM_000214.3 (MANE Select); coding-DNA position 233, G replaced by T.
Protein change: p.Cys78Phe; replaces cysteine 78 with phenylalanine.
Molecular consequence: missense variant.
Genome position (GRCh38, 1-based): chr20:10,672,855, C>A on the plus strand (G>T on the coding strand, the complement: JAG1 is on the minus strand). VCF-style: chr20-10672855-C-A. GRCh37 (hg19) VCF-style: chr20-10653503-C-A.
Other names: short protein forms C78F.
Identifiers: ClinVar variation 3573261 (VCV003573261.2).
Genomic context (GRCh38, chr20:10,672,855, plus strand): 5'-GACCCTGAGCCGAAGCTGCAGGGCCCCCCGGCCGTGACGCGGGACTGATACTCCTTGAGG[C>A]ACACTTTGAAGTATGTGTCACACTCGTCGCGGGTGCACTTGCGGTCTCCCGGGTTCCGGG-3'
Protein context (NP_000205.1, residues 68-88): RDECDTYFKV[Cys78Phe]LKEYQSRVTA